The following is an entry in ClinVar:

NM_020937.4(FANCM):c.427A>T (p.Thr143Ser)

Gene: FANCM (FA complementation group M; plus strand). Cytogenetic location: 14q21.2.
Variant type: single nucleotide variant.
Coding change: c.427A>T on transcript NM_020937.4 (MANE Select); coding-DNA position 427, A replaced by T.
Protein change: p.Thr143Ser; replaces threonine 143 with serine.
Molecular consequence: missense variant.
Genome position (GRCh38, 1-based): chr14:45,136,458, A>T. VCF-style: chr14-45136458-A-T. GRCh37 (hg19) VCF-style: chr14-45605661-A-T.
Other names: c.427A>T, p.Thr143Ser (NM_001308133.2, NM_001308134.2); short protein forms T143S.
Identifiers: ClinVar variation 3848555 (VCV003848555.1).

ClinVar aggregate classification (germline): Uncertain significance (1 of 4 stars; one submission).

Conditions:
Inborn genetic diseases. Identifiers: MedGen C0950123, MeSH D030342.

Submission:

Ambry Genetics
Classification: Uncertain significance for Inborn genetic diseases. Last evaluated: 2024-12-28. Review status: criteria provided, single submitter. Criteria: Ambry Variant Classification Scheme 2023. Collection method: clinical testing. Allele origin: germline.
Comment: The p.T143S variant (also known as c.427A>T), located in coding exon 1 of the FANCM gene, results from an A to T substitution at nucleotide position 427. The threonine at codon 143 is replaced by serine, an amino acid with similar properties. This amino acid position is conserved. In addition, this alteration is predicted to be tolerated by in silico analysis. Based on the available evidence, the clinical significance of this variant remains unclear.